The following is an entry in ClinVar:

ClinVar aggregate classification (germline): Uncertain significance (1 of 4 stars; one submission).

gnomAD v4.1: 50 of 1,588,202 alleles (0.0031%); highest among the groups gnomAD compares: Non-Finnish European, 0.0036%; no homozygotes.

Submission:

Labcorp Genetics (formerly Invitae), Labcorp
Classification: Uncertain significance. Last evaluated: 2025-02-11. Review status: criteria provided, single submitter. Criteria: Invitae Variant Classification Sherloc (09022015). Collection method: clinical testing. Allele origin: germline.
Comment: This sequence change replaces arginine, which is basic and polar, with histidine, which is basic and polar, at codon 442 of the FUK protein (p.Arg442His). The frequency data for this variant in the population databases is considered unreliable, as metrics indicate poor data quality at this position in the gnomAD database. This variant has not been reported in the literature in individuals affected with FUK-related conditions. An algorithm developed to predict the effect of missense changes on protein structure and function (PolyPhen-2) suggests that this variant is likely to be tolerated. In summary, the available evidence is currently insufficient to determine the role of this variant in disease. Therefore, it has been classified as a Variant of Uncertain Significance.

NM_145059.3(FCSK):c.1325G>A (p.Arg442His)

Gene: FCSK (fucose kinase; plus strand). Cytogenetic location: 16q22.1.
Variant type: single nucleotide variant.
Coding change: c.1325G>A on transcript NM_145059.3 (MANE Select); coding-DNA position 1325, G replaced by A.
Protein change: p.Arg442His; replaces arginine 442 with histidine.
Molecular consequence: missense variant.
Genome position (GRCh38, 1-based): chr16:70,471,336, G>A. VCF-style: chr16-70471336-G-A. GRCh37 (hg19) VCF-style: chr16-70505239-G-A.
Other names: short protein forms R442H.
Identifiers: ClinVar variation 3718330 (VCV003718330.2).